The following is an entry in ClinVar:

ClinVar aggregate classification (germline): Benign/Likely benign. Review status: criteria provided, multiple submitters, no conflicts (2 of 4 stars). 2 submissions from 2 submitters: Benign (1); Likely benign (1). Last evaluated 2022-05-01.

Allele frequency attached by ClinVar (database versions not stated): 1000 Genomes Project 0.00240; 1000 Genomes Project 30x 0.00265; gnomAD 0.00309; ESP Exome Variant Server 0.00331; TOPMed 0.00345.
gnomAD v4.1: 898 of 1,604,942 alleles (0.056%); highest among the groups gnomAD compares: African/African-American, 1%; 8 homozygotes.

Submissions (2):

CeGaT Center for Human Genetics Tuebingen
Classification: Likely benign. Last evaluated: 2022-05-01. Review status: criteria provided, single submitter. Criteria: CeGaT Center For Human Genetics Tuebingen Variant Classification Criteria Version 2. Collection method: clinical testing. Allele origin: germline. Affected: yes. Observed: 1 variant allele.
Comment: PRUNE2: BP4, BP7

Labcorp Genetics (formerly Invitae), Labcorp
Classification: Benign. Last evaluated: 2018-05-08. Review status: criteria provided, single submitter. Criteria: Invitae Variant Classification Sherloc (09022015). Collection method: clinical testing. Allele origin: germline.

NM_015225.3(PRUNE2):c.87G>A (p.Ser29=)

Gene: PRUNE2 (prune homolog 2 with BCH domain; minus strand). Cytogenetic location: 9q21.2.
Variant type: single nucleotide variant.
Coding change: c.87G>A on transcript NM_015225.3 (MANE Select); coding-DNA position 87, G replaced by A.
Protein change: p.Ser29=; no amino-acid change (serine 29 retained).
Molecular consequence: synonymous variant. On other transcripts: non-coding transcript variant (1).
Genome position (GRCh38, 1-based): chr9:76,854,158, C>T on the plus strand (G>A on the coding strand, the complement: PRUNE2 is on the minus strand). VCF-style: chr9-76854158-C-T. GRCh37 (hg19) VCF-style: chr9-79469074-C-T.
Other names: c.87G>A, p.Ser29= (NM_001308047.2, NM_001308048.2).
Identifiers: ClinVar variation 790616 (VCV000790616.27), dbSNP rs140384584, ClinGen allele CA5090797.